The following is an entry in ClinVar:

NM_000444.6(PHEX):c.1302+1G>C

Gene: PHEX (phosphate regulating endopeptidase X-linked; plus strand). Cytogenetic location: Xp22.11.
Variant type: single nucleotide variant.
Coding change: c.1302+1G>C on transcript NM_000444.6 (MANE Select); the canonical splice donor site of the intron after coding-DNA position 1302, G replaced by C.
Molecular consequence: splice donor variant.
Genome position (GRCh38, 1-based): chrX:22,114,587, G>C. VCF-style: chrX-22114587-G-C. GRCh37 (hg19) VCF-style: chrX-22132705-G-C.
Other names: c.1302+1G>C (NM_001282754.2).
Identifiers: ClinVar variation 964037 (VCV000964037.10), dbSNP rs1131691841, ClinGen allele CA412573818.

ClinVar aggregate classification (germline): Pathogenic (1 of 4 stars; one submission).

Submission:

Labcorp Genetics (formerly Invitae), Labcorp
Classification: Pathogenic. Last evaluated: 2019-08-05. Review status: criteria provided, single submitter. Criteria: Invitae Variant Classification Sherloc (09022015). Collection method: clinical testing. Allele origin: germline.
Comment: For these reasons, this variant has been classified as Pathogenic. This sequence change affects a donor splice site in intron 11 of the PHEX gene. It is expected to disrupt RNA splicing and likely results in an absent or disrupted protein product. This variant is not present in population databases (ExAC no frequency). This variant has been observed in an individual affected with hypophosphatemia (PMID: 26377240, 9097956, Invitae). Donor and acceptor splice site variants typically lead to a loss of protein function (PMID: 16199547), and loss-of-function variants in PHEX are known to be pathogenic (PMID: 9097956, 9106524, 19219621). Algorithms developed to predict the effect of sequence changes on RNA splicing suggest that this variant may disrupt the consensus splice site, but this prediction has not been confirmed by published transcriptional studies. This variant disrupts the c.1302+1G nucleotide in the PHEX gene. Other variants that disrupt this nucleotide have been determined to be pathogenic (PMID: 26377240, 9097956). This suggests that this nucleotide is clinically-significant, and that variants that disrupt this position are likely to be disease-causing.

Literature cited by the submitters: PubMed 26377240; PubMed 9097956; PubMed 16199547; PubMed 9106524; PubMed 19219621.